The following is an entry in ClinVar:

NM_012144.4(DNAI1):c.1235A>G (p.Asn412Ser)

Gene: DNAI1 (dynein axonemal intermediate chain 1; plus strand). Cytogenetic location: 9p13.3.
Variant type: single nucleotide variant.
Coding change: c.1235A>G on transcript NM_012144.4 (MANE Select); coding-DNA position 1235, A replaced by G.
Protein change: p.Asn412Ser; replaces asparagine 412 with serine.
Molecular consequence: missense variant.
Genome position (GRCh38, 1-based): chr9:34,506,798, A>G. VCF-style: chr9-34506798-A-G. GRCh37 (hg19) VCF-style: chr9-34506796-A-G.
Other names: c.1247A>G, p.Asn416Ser (NM_001281428.2); short protein forms N412S, N416S.
Identifiers: ClinVar variation 569592 (VCV000569592.9), dbSNP rs1056525406, ClinGen allele CA192646159.

ClinVar aggregate classification (germline): Uncertain significance (1 of 4 stars; one submission).

Conditions:
Primary ciliary dyskinesia. Also called: Ciliary dyskinesia. Identifiers: Orphanet 244, MedGen C0008780, MONDO:0016575, HP:0012265.

Allele frequency attached by ClinVar (database versions not stated): gnomAD exomes below 0.00001; TOPMed 0.00001; gnomAD 0.00003 and 0.00004.
gnomAD v4.1: 6 of 1,613,864 alleles (0.00037%); highest among the groups gnomAD compares: African/African-American, 0.0067%; no homozygotes.

Submission:

Labcorp Genetics (formerly Invitae), Labcorp
Classification: Uncertain significance for Primary ciliary dyskinesia. Last evaluated: 2022-06-20. Review status: criteria provided, single submitter. Criteria: Invitae Variant Classification Sherloc (09022015). Collection method: clinical testing. Allele origin: germline.
Comment: This sequence change replaces asparagine, which is neutral and polar, with serine, which is neutral and polar, at codon 412 of the DNAI1 protein (p.Asn412Ser). This variant is present in population databases (no rsID available, gnomAD 0.02%). This variant has not been reported in the literature in individuals affected with DNAI1-related conditions. ClinVar contains an entry for this variant (Variation ID: 569592). Algorithms developed to predict the effect of missense changes on protein structure and function (SIFT, PolyPhen-2, Align-GVGD) all suggest that this variant is likely to be tolerated. Algorithms developed to predict the effect of sequence changes on RNA splicing suggest that this variant may create or strengthen a splice site. In summary, the available evidence is currently insufficient to determine the role of this variant in disease. Therefore, it has been classified as a Variant of Uncertain Significance.